The following is an entry in ClinVar:

ClinVar aggregate classification (germline): Likely pathogenic. Review status: criteria provided, single submitter (1 of 4 stars). 2 submissions from 2 submitters: Likely pathogenic (1). 1 of the submissions does not count toward it. Last evaluated 2024-10-18.

Conditions:
TSHR-related disorder. Also called: TSHR-related condition; TSHR-related disorders.
Familial hyperthyroidism due to mutations in TSH receptor. Also called: TOXIC THYROID HYPERPLASIA, AUTOSOMAL DOMINANT; HYPERTHYROIDISM, CONGENITAL NONAUTOIMMUNE; HYPERTHYROIDISM, NONAUTOIMMUNE, AUTOSOMAL DOMINANT. Identifiers: Orphanet 424, MedGen C1836706, MONDO:0012203, OMIM 609152.

Submissions (2):

PreventionGenetics, part of Exact Sciences
Classification: Likely pathogenic for TSHR-related condition. Last evaluated: 2024-10-18. Review status: criteria provided, single submitter. Criteria: ACMG Guidelines, 2015. Collection method: clinical testing. Allele origin: germline.
Comment: The TSHR c.1915C>T variant is predicted to result in the amino acid substitution p.Pro639Ser. This variant was reported in an individual with thyrotoxicosis and mitral valve prolapse (Khoo et al. 1999. PubMed ID: 10199795). In another report, this variant was reported to occur de novo in an individual presenting with hyperthyroidism (Agretti et al. 2012. PubMed ID: 22371259). This variant has not been reported in a large population database (gnomAD), indicating this variant is rare. This variant is interpreted as likely pathogenic.

OMIM
Classification: Pathogenic for HYPERTHYROIDISM, NONAUTOIMMUNE. Last evaluated: 1999-04-01. Review status: no assertion criteria provided. Collection method: literature only. Allele origin: germline. Not counted in ClinVar's aggregate classification.

Literature cited by the submitters: PubMed 10199795 (cited by OMIM).

NM_000369.5(TSHR):c.1915C>T (p.Pro639Ser)

Genes: TSHR (thyroid stimulating hormone receptor; plus strand), TSHR-AS1 (TSHR antisense RNA 1; minus strand). Cytogenetic location: 14q31.1.
Variant type: single nucleotide variant.
Coding change: c.1915C>T on transcript NM_000369.5 (MANE Select); coding-DNA position 1915, C replaced by T.
Protein change: p.Pro639Ser; replaces proline 639 with serine.
Molecular consequence: missense variant.
Genome position (GRCh38, 1-based): chr14:81,143,973, C>T. VCF-style: chr14-81143973-C-T. GRCh37 (hg19) VCF-style: chr14-81610317-C-T.
Other names: c.1915C>T (NM_000369.2); short protein forms P639S.
Identifiers: ClinVar variation 6454 (VCV000006454.2), dbSNP rs121908880, ClinGen allele CA118260.